The following is an entry in ClinVar:

ClinVar aggregate classification (germline): Likely pathogenic (1 of 4 stars; one submission).

Submission:

Dasa
Classification: Likely pathogenic. Last evaluated: 2025-03-27. Review status: criteria provided, single submitter. Criteria: DASA Assertion Criteria. Collection method: clinical testing. Allele origin: germline.
Comment: NM_000540.3(RYR1):c.14423T>C (p.Phe4808Ser) is a missense variant that results in the substitution of phenylalanine with serine. The affected residue or protein region has prior evidence supporting clinical relevance. De novo occurrence has been reported in an individual with RYR1-related disorders. This variant is absent from population databases. Computational evidence supports a deleterious effect. Based on the currently available evidence, this variant is classified as likely pathogenic.

NM_000540.3(RYR1):c.14423T>C (p.Phe4808Ser)

Gene: RYR1 (ryanodine receptor 1; plus strand). Cytogenetic location: 19q13.2.
Variant type: single nucleotide variant.
Coding change: c.14423T>C on transcript NM_000540.3 (MANE Select); coding-DNA position 14423, T replaced by C.
Protein change: p.Phe4808Ser; replaces phenylalanine 4808 with serine.
Molecular consequence: missense variant.
Genome position (GRCh38, 1-based): chr19:38,580,040, T>C. VCF-style: chr19-38580040-T-C. GRCh37 (hg19) VCF-style: chr19-39070680-T-C.
Other names: c.14408T>C, p.Phe4803Ser (NM_001042723.2); short protein forms F4803S, F4808S.
Identifiers: ClinVar variation 4886414 (VCV004886414.2).
Genomic context (GRCh38, chr19:38,580,040, plus strand): 5'-AGTCCTTCCTGTACCTGGGCTGGTATATGGTGATGTCCCTCTTGGGACACTACAACAACT[T>C]CTTCTTTGCTGCCCATCTCCTGGACATCGCCATGGGGGTCAAGACGCTGCGCACCATCCT-3'
Protein context (NP_000531.2, residues 4798-4818): VMSLLGHYNN[Phe4808Ser]FFAAHLLDIA